The following is an entry in ClinVar:

ClinVar aggregate classification (germline): Uncertain significance. Review status: criteria provided, multiple submitters, no conflicts (2 of 4 stars). 3 submissions from 3 submitters: Uncertain significance (3). Last evaluated 2024-08-05.

Conditions:
Hereditary nonpolyposis colorectal neoplasms. Identifiers: MedGen C0009405, MeSH D003123.
Hereditary cancer-predisposing syndrome. Also called: Neoplastic Syndromes, Hereditary; Tumor predisposition; Hereditary Cancer Syndrome; Hereditary neoplastic syndrome. Identifiers: Orphanet 140162, MedGen C0027672, MeSH D009386, MONDO:0015356.

Submissions (3):

Labcorp Genetics (formerly Invitae), Labcorp
Classification: Uncertain significance for Hereditary nonpolyposis colorectal neoplasms. Last evaluated: 2024-08-05. Review status: criteria provided, single submitter. Criteria: Invitae Variant Classification Sherloc (09022015). Collection method: clinical testing. Allele origin: germline.
Comment: This sequence change replaces glutamic acid, which is acidic and polar, with glutamine, which is neutral and polar, at codon 81 of the PMS2 protein (p.Glu81Gln). This variant is not present in population databases (gnomAD no frequency). This variant has not been reported in the literature in individuals affected with PMS2-related conditions. ClinVar contains an entry for this variant (Variation ID: 525852). Advanced modeling of protein sequence and biophysical properties (such as structural, functional, and spatial information, amino acid conservation, physicochemical variation, residue mobility, and thermodynamic stability) performed at Invitae indicates that this missense variant is not expected to disrupt PMS2 protein function with a negative predictive value of 80%. In summary, the available evidence is currently insufficient to determine the role of this variant in disease. Therefore, it has been classified as a Variant of Uncertain Significance.

Ambry Genetics
Classification: Uncertain significance for Hereditary cancer-predisposing syndrome. Last evaluated: 2020-12-03. Review status: criteria provided, single submitter. Criteria: Ambry Variant Classification Scheme 2023. Collection method: clinical testing. Allele origin: germline.
Comment: The p.E81Q variant (also known as c.241G>C), located in coding exon 3 of the PMS2 gene, results from a G to C substitution at nucleotide position 241. The glutamic acid at codon 81 is replaced by glutamine, an amino acid with highly similar properties. This amino acid position is well conserved in available vertebrate species. In addition, the in silico prediction for this alteration is inconclusive. Since supporting evidence is limited at this time, the clinical significance of this alteration remains unclear.

Color Diagnostics, LLC DBA Color Health
Classification: Uncertain significance for Hereditary cancer-predisposing syndrome. Last evaluated: 2019-11-07. Review status: criteria provided, single submitter. Criteria: ACMG Guidelines, 2015. Collection method: clinical testing. Allele origin: germline.
Comment: This missense variant replaces glutamic acid with glutamine at codon 81 of the PMS2 protein. Computational prediction tool suggests that this variant may not impact protein structure and function (internally defined REVEL score threshold ≤0.5, PMID: 27666373). Splice site prediction tools suggest that this variant may not impact RNA splicing. To our knowledge, functional studies have not been performed for this variant. This variant has not been reported in individuals affected with hereditary cancer in the literature. This variant has not been identified in the general population by the Genome Aggregation Database (gnomAD). The available evidence is insufficient to determine the role of this variant in disease conclusively. Therefore, this variant is classified as a Variant of Uncertain Significance.

Literature cited by the submitters: PubMed 25186627 (cited by Ambry Genetics).

NM_000535.7(PMS2):c.241G>C (p.Glu81Gln)

Gene: PMS2 (PMS1 homolog 2, mismatch repair system component; minus strand). Cytogenetic location: 7p22.1.
Variant type: single nucleotide variant.
Coding change: c.241G>C on transcript NM_000535.7 (MANE Select); coding-DNA position 241, G replaced by C.
Protein change: p.Glu81Gln; replaces glutamic acid 81 with glutamine.
Molecular consequence: missense variant. On other transcripts: 5 prime UTR variant (9), non-coding transcript variant (1).
Genome position (GRCh38, 1-based): chr7:6,003,981, C>G on the plus strand (G>C on the coding strand, the complement: PMS2 is on the minus strand). VCF-style: chr7-6003981-C-G. GRCh37 (hg19) VCF-style: chr7-6043612-C-G.
Other names: c.-165G>C (NM_001322003.2, NM_001322004.2, NM_001322005.2 and 3 more transcripts); c.241G>C, p.Glu81Gln (NM_001322006.2, NM_001322014.2); c.26G>C, p.Arg9Pro (NM_001322007.2, NM_001322008.2); c.-644G>C (NM_001322011.2, NM_001322012.2); c.-244G>C (NM_001322015.2); short protein forms E81Q, R9P.
Identifiers: ClinVar variation 525852 (VCV000525852.14), dbSNP rs730881919, ClinGen allele CA366744766.
Genomic context (GRCh38, chr7:6,003,981, plus strand): 5'-GAGACATGTGACCCAATTATTTTATAATAGGATTAGAAAAAGTCAACTTACTTAAGCCTT[C>G]GAAGTTTTCTTCTTCTACCCCACATCCATTGTCTGAAACTTCAATAAGATCCACTCCATA-3'
Protein context (NP_000526.2, residues 71-91): NGCGVEEENF[Glu81Gln]GLTLKHHTSK